The following is an entry in ClinVar:

ClinVar aggregate classification (germline): Uncertain significance. Review status: criteria provided, single submitter (1 of 4 stars). 2 submissions from 2 submitters: Uncertain significance (1). 1 of the submissions does not count toward it. Last evaluated 2025-08-09.

Conditions:
DNAH10-related disorder. Also called: DNAH10-related condition.

gnomAD v4.1: 225 of 1,610,758 alleles (0.014%); highest among the groups gnomAD compares: African/African-American, 0.28%; no homozygotes.

Submissions (2):

Ambry Genetics
Classification: Uncertain significance. Last evaluated: 2025-08-09. Review status: criteria provided, single submitter. Criteria: Ambry Variant Classification Scheme 2023. Collection method: clinical testing. Allele origin: germline.

PreventionGenetics, part of Exact Sciences
Classification: Likely benign for DNAH10-related condition. Last evaluated: 2024-08-31. Review status: no assertion criteria provided. Collection method: clinical testing. Allele origin: germline. Not counted in ClinVar's aggregate classification.
Comment: This variant is classified as likely benign based on ACMG/AMP sequence variant interpretation guidelines (Richards et al. 2015 PMID: 25741868, with internal and published modifications).

NM_001372106.1(DNAH10):c.9327G>C (p.Lys3109Asn)

Gene: DNAH10 (dynein axonemal heavy chain 10; plus strand). Cytogenetic location: 12q24.31.
Variant type: single nucleotide variant.
Coding change: c.9327G>C on transcript NM_001372106.1 (MANE Select); coding-DNA position 9327, G replaced by C.
Protein change: p.Lys3109Asn; replaces lysine 3109 with asparagine.
Molecular consequence: missense variant.
Genome position (GRCh38, 1-based): chr12:123,897,816, G>C. VCF-style: chr12-123897816-G-C. GRCh37 (hg19) VCF-style: chr12-124382363-G-C.
Other names: c.8973G>C, p.Lys2991Asn (NM_207437.3); short protein forms K2991N, K3109N.
Identifiers: ClinVar variation 3354220 (VCV003354220.2).